The following is an entry in ClinVar:

ClinVar aggregate classification (germline): Uncertain significance. Review status: criteria provided, multiple submitters, no conflicts (2 of 4 stars). 3 submissions from 3 submitters: Uncertain significance (3). Last evaluated 2025-05-26.

Conditions:
Inborn genetic diseases. Identifiers: MedGen C0950123, MeSH D030342.
Autosomal dominant nonsyndromic hearing loss 12. Also called: DEAFNESS, AUTOSOMAL DOMINANT 8. Identifiers: Orphanet 90635, MedGen C1832187, MONDO:0011102, OMIM 601543.

Allele frequency attached by ClinVar (database versions not stated): ExAC 0.00002; TOPMed 0.00002; gnomAD 0.00003; ESP Exome Variant Server 0.00008.
gnomAD v4.1: 33 of 1,614,066 alleles (0.002%); highest among the groups gnomAD compares: Admixed American, 0.01%; no homozygotes.

Submissions (3):

Ambry Genetics
Classification: Uncertain significance for Inborn genetic diseases. Last evaluated: 2025-05-26. Review status: criteria provided, single submitter. Criteria: Ambry Variant Classification Scheme 2023. Collection method: clinical testing. Allele origin: germline.

GeneDx
Classification: Uncertain significance. Last evaluated: 2023-05-08. Review status: criteria provided, single submitter. Criteria: GeneDx Variant Classification Process June 2021. Collection method: clinical testing. Allele origin: germline. Affected: yes.
Comment: In silico analysis supports that this missense variant does not alter protein structure/function; Has not been previously published as pathogenic or benign to our knowledge; This variant is associated with the following publications: (PMID: 21520338, 31554319, 9590290, 16718611)

Baylor Genetics
Classification: Uncertain significance for Autosomal dominant nonsyndromic hearing loss 12. Last evaluated: 2022-12-17. Review status: criteria provided, single submitter. Criteria: ACMG Guidelines, 2015. Collection method: clinical testing. Allele origin: unknown.

NM_005422.4(TECTA):c.5515G>A (p.Gly1839Ser)

Genes: TBCEL-TECTA (TBCEL-TECTA readthrough; plus strand), TECTA (tectorin alpha; plus strand). Cytogenetic location: 11q23.3.
Variant type: single nucleotide variant.
Coding change: c.5515G>A on transcript NM_005422.4 (MANE Select); coding-DNA position 5515, G replaced by A.
Protein change: p.Gly1839Ser; replaces glycine 1839 with serine.
Molecular consequence: missense variant.
Genome position (GRCh38, 1-based): chr11:121,166,709, G>A. VCF-style: chr11-121166709-G-A. GRCh37 (hg19) VCF-style: chr11-121037418-G-A.
Other names: c.6457G>A, p.Gly2153Ser (NM_001378761.1); short protein forms G1839S, G2153S.
Identifiers: ClinVar variation 2441893 (VCV002441893.3), dbSNP rs376271495, ClinGen allele CA6327740.